The following is an entry in ClinVar:

ClinVar aggregate classification (germline): Uncertain significance. Review status: criteria provided, multiple submitters, no conflicts (2 of 4 stars). 5 submissions from 5 submitters: Uncertain significance (5). Last evaluated 2024-06-13.

Conditions:
Autoinflammatory syndrome. Identifiers: Orphanet 93665, MedGen C3890737, MONDO:0019751.
Majeed syndrome (MJDS). Also called: CHRONIC RECURRENT MULTIFOCAL OSTEOMYELITIS 1, WITH CONGENITAL DYSERYTHROPOIETIC ANEMIA, WITH OR WITHOUT NEUTROPHILIC DERMATOSIS; LPIN2-Related Majeed Syndrome. Identifiers: Orphanet 77297, MedGen C1864997, MONDO:0012316, OMIM 609628.

Allele frequency attached by ClinVar (database versions not stated): TOPMed 0.00007; ESP Exome Variant Server 0.00008; gnomAD 0.00013.
gnomAD v4.1: 127 of 1,586,558 alleles (0.008%); highest among the groups gnomAD compares: South Asian, 0.024%; no homozygotes.

Submissions (5):

Revvity Omics, Revvity
Classification: Uncertain significance for Majeed syndrome. Last evaluated: 2024-06-13. Review status: criteria provided, single submitter. Criteria: ACMG Guidelines, 2015. Collection method: clinical testing. Allele origin: germline.

Labcorp Genetics (formerly Invitae), Labcorp
Classification: Uncertain significance for Majeed syndrome. Last evaluated: 2022-10-25. Review status: criteria provided, single submitter. Criteria: Invitae Variant Classification Sherloc (09022015). Collection method: clinical testing. Allele origin: germline.
Comment: This sequence change replaces threonine, which is neutral and polar, with isoleucine, which is neutral and non-polar, at codon 233 of the LPIN2 protein (p.Thr233Ile). This variant is present in population databases (rs139654849, gnomAD 0.02%). This variant has not been reported in the literature in individuals affected with LPIN2-related conditions. ClinVar contains an entry for this variant (Variation ID: 567527). Algorithms developed to predict the effect of missense changes on protein structure and function (SIFT, PolyPhen-2, Align-GVGD) all suggest that this variant is likely to be tolerated. In summary, the available evidence is currently insufficient to determine the role of this variant in disease. Therefore, it has been classified as a Variant of Uncertain Significance.

Genome Diagnostics Laboratory, The Hospital for Sick Children
Classification: Uncertain significance for Autoinflammatory syndrome. Last evaluated: 2021-08-11. Review status: criteria provided, single submitter. Criteria: ACMG Guidelines, 2015. Collection method: clinical testing. Allele origin: germline. Affected: yes.

Mayo Clinic Laboratories, Mayo Clinic
Classification: Uncertain significance. Last evaluated: 2020-05-19. Review status: criteria provided, single submitter. Criteria: ACMG Guidelines, 2015. Collection method: clinical testing. Allele origin: germline. Observed: 1 variant allele.

ARUP Laboratories, Molecular Genetics and Genomics, ARUP Laboratories
Classification: Uncertain significance for Majeed syndrome. Last evaluated: 2018-12-18. Review status: criteria provided, single submitter. Criteria: ARUP Molecular Germline Variant Investigation Process. Collection method: clinical testing. Allele origin: germline.
Comment: The LPIN2 c.698C>T; p.Thr233Ile variant (rs139654849), to our knowledge, is not reported in the medical literature or in gene-specific databases. The variant is reported in the ClinVar database (Variation ID: 567527) and in the general population with an allele frequency of 0.1% (27/281554 alleles) in the Genome Aggregation Database. The amino acid at this position is weakly conserved and computational algorithms (PolyPhen-2, SIFT) predict this variant is tolerated. Considering available information, the clinical significance of this variant cannot be determined with certainty.

NM_001375808.2(LPIN2):c.698C>T (p.Thr233Ile)

Gene: LPIN2 (lipin 2; minus strand). Cytogenetic location: 18p11.31.
Variant type: single nucleotide variant.
Coding change: c.698C>T on transcript NM_001375808.2 (MANE Select); coding-DNA position 698, C replaced by T.
Protein change: p.Thr233Ile; replaces threonine 233 with isoleucine.
Molecular consequence: missense variant.
Genome position (GRCh38, 1-based): chr18:2,940,605, G>A on the plus strand (C>T on the coding strand, the complement: LPIN2 is on the minus strand). VCF-style: chr18-2940605-G-A. GRCh37 (hg19) VCF-style: chr18-2940603-G-A.
Other names: c.698C>T, p.Thr233Ile (NM_001375809.1, NM_014646.2); short protein forms T233I.
Identifiers: ClinVar variation 567527 (VCV000567527.23), dbSNP rs139654849, ClinGen allele CA8873331.